The following is an entry in ClinVar:

NM_182914.3(SYNE2):c.9443A>T (p.Glu3148Val)

Gene: SYNE2 (spectrin repeat containing nuclear envelope protein 2; plus strand). Cytogenetic location: 14q23.2.
Variant type: single nucleotide variant.
Coding change: c.9443A>T on transcript NM_182914.3 (MANE Select); coding-DNA position 9443, A replaced by T.
Protein change: p.Glu3148Val; replaces glutamic acid 3148 with valine.
Molecular consequence: missense variant.
Genome position (GRCh38, 1-based): chr14:64,053,356, A>T. VCF-style: chr14-64053356-A-T. GRCh37 (hg19) VCF-style: chr14-64520074-A-T.
Other names: c.9443A>T, p.Glu3148Val (NM_015180.6); c.9443A>T (NM_182914.2); short protein forms E3148V.
Identifiers: ClinVar variation 1956057 (VCV001956057.6), dbSNP rs370520058, ClinGen allele CA7221269.

ClinVar aggregate classification (germline): Uncertain significance. Review status: criteria provided, multiple submitters, no conflicts (2 of 4 stars). 2 submissions from 2 submitters: Uncertain significance (2). Last evaluated 2025-04-23.

Conditions:
Emery-Dreifuss muscular dystrophy 5, autosomal dominant (EDMD5). Also called: EMERY-DREIFUSS MUSCULAR DYSTROPHY 5. Identifiers: Orphanet 261, MedGen C2751805, MONDO:0013072, OMIM 612999.

Allele frequency attached by ClinVar (database versions not stated): gnomAD 0.00001; gnomAD exomes 0.00001; TOPMed 0.00001; ExAC 0.00002; ESP Exome Variant Server 0.00017.

Submissions (2):

Labcorp Genetics (formerly Invitae), Labcorp
Classification: Uncertain significance for Emery-Dreifuss muscular dystrophy 5, autosomal dominant. Last evaluated: 2025-04-23. Review status: criteria provided, single submitter. Criteria: Invitae Variant Classification Sherloc (09022015). Collection method: clinical testing. Allele origin: germline.
Comment: This sequence change replaces glutamic acid, which is acidic and polar, with valine, which is neutral and non-polar, at codon 3148 of the SYNE2 protein (p.Glu3148Val). This variant is present in population databases (rs370520058, gnomAD 0.003%). This variant has not been reported in the literature in individuals affected with SYNE2-related conditions. ClinVar contains an entry for this variant (Variation ID: 1956057). An algorithm developed to predict the effect of missense changes on protein structure and function (PolyPhen-2) suggests that this variant is likely to be disruptive. In summary, the available evidence is currently insufficient to determine the role of this variant in disease. Therefore, it has been classified as a Variant of Uncertain Significance.

Ambry Genetics
Classification: Uncertain significance. Last evaluated: 2023-09-22. Review status: criteria provided, single submitter. Criteria: Ambry Variant Classification Scheme 2023. Collection method: clinical testing. Allele origin: germline.